The following is an entry in ClinVar:

ClinVar aggregate classification (germline): Uncertain significance (1 of 4 stars; one submission).

Conditions:
Epileptic encephalopathy. Identifiers: MedGen C0543888, HP:0200134.

Submission:

Labcorp Genetics (formerly Invitae), Labcorp
Classification: Uncertain significance for Epileptic encephalopathy. Last evaluated: 2024-10-16. Review status: criteria provided, single submitter. Criteria: Invitae Variant Classification Sherloc (09022015). Collection method: clinical testing. Allele origin: germline.
Comment: This sequence change replaces valine, which is neutral and non-polar, with leucine, which is neutral and non-polar, at codon 2397 of the FASN protein (p.Val2397Leu). This variant is not present in population databases (gnomAD no frequency). This variant has not been reported in the literature in individuals affected with FASN-related conditions. An algorithm developed to predict the effect of missense changes on protein structure and function (PolyPhen-2) suggests that this variant is likely to be tolerated. In summary, the available evidence is currently insufficient to determine the role of this variant in disease. Therefore, it has been classified as a Variant of Uncertain Significance.

NM_004104.5(FASN):c.7189G>C (p.Val2397Leu)

Genes: FASN (fatty acid synthase; minus strand), LOC129390948 (MPRA-validated peak3028 silencer; plus strand). Cytogenetic location: 17q25.3.
Variant type: single nucleotide variant.
Coding change: c.7189G>C on transcript NM_004104.5 (MANE Select); coding-DNA position 7189, G replaced by C.
Protein change: p.Val2397Leu; replaces valine 2397 with leucine.
Molecular consequence: missense variant.
Genome position (GRCh38, 1-based): chr17:82,079,566, C>G on the plus strand (G>C on the coding strand, the complement: FASN is on the minus strand). VCF-style: chr17-82079566-C-G. GRCh37 (hg19) VCF-style: chr17-80037442-C-G.
Other names: short protein forms V2397L.
Identifiers: ClinVar variation 2832211 (VCV002832211.3), dbSNP rs2509825832, ClinGen allele CA401596134.